The following is an entry in ClinVar:

ClinVar aggregate classification (germline): Pathogenic (1 of 4 stars; one submission).

Conditions:
Congenital adrenal hyperplasia due to cytochrome P450 oxidoreductase deficiency. Also called: DISORDERED STEROIDOGENESIS DUE TO POR DEFICIENCY. Identifiers: Orphanet 95699, MedGen C1860042, MONDO:0013310, OMIM 613571.

Submission:

Labcorp Genetics (formerly Invitae), Labcorp
Classification: Pathogenic for Congenital adrenal hyperplasia due to cytochrome P450 oxidoreductase deficiency. Last evaluated: 2023-12-29. Review status: criteria provided, single submitter. Criteria: Invitae Variant Classification Sherloc (09022015). Collection method: clinical testing. Allele origin: germline.
Comment: This sequence change creates a premature translational stop signal (p.His322Profs*35) in the POR gene. It is expected to result in an absent or disrupted protein product. Loss-of-function variants in POR are known to be pathogenic (PMID: 14758361, 20732302, 21741353). This variant is not present in population databases (gnomAD no frequency). This variant has not been reported in the literature in individuals affected with POR-related conditions. For these reasons, this variant has been classified as Pathogenic.

Literature cited by the submitters: PubMed 14758361; PubMed 20732302; PubMed 21741353.

NM_001395413.1(POR):c.955dup (p.His319fs)

Genes: POR (cytochrome p450 oxidoreductase; plus strand), LOC126860075 (CDK7 strongly-dependent group 2 enhancer GRCh37_chr7:75612087-75613286; plus strand). Cytogenetic location: 7q11.23.
Variant type: Duplication.
Coding change: c.955dup on transcript NM_001395413.1 (MANE Select); coding-DNA position 955, one base duplicated (C; older notation c.955dupC).
Protein change: p.His319fs; shifts the reading frame from histidine 319.
Molecular consequence: frameshift variant.
Genome position (GRCh38, 1-based): chr7:75,983,754, C duplicated; the last of 2 consecutive C bases (chr7:75,983,753-75,983,754); duplicating either gives the same sequence. VCF-style (leftmost placement, unchanged base first): chr7-75983752-A-AC. GRCh37 (hg19) VCF-style: chr7-75613070-A-AC.
Other names: c.964dup, p.His322Profs (NM_000941.2, NM_000941.3); c.955dup, p.His319fs (NM_001367562.3, NM_001382657.2, NM_001382658.3 and 2 more transcripts); c.1009dup, p.His337fs (NM_001382655.3); short protein forms H337fs, H319fs.
Identifiers: ClinVar variation 2706311 (VCV002706311.3), dbSNP rs2535394735, ClinGen allele CA2697557322.